The following is an entry in ClinVar:

NM_001267550.2(TTN):c.55591C>T (p.Pro18531Ser)

Genes: TTN (titin; minus strand), TTN-AS1 (TTN antisense RNA 1; plus strand). Cytogenetic location: 2q31.2.
Variant type: single nucleotide variant.
Coding change: c.55591C>T on transcript NM_001267550.2 (MANE Select); coding-DNA position 55591, C replaced by T.
Protein change: p.Pro18531Ser; replaces proline 18531 with serine.
Molecular consequence: missense variant.
Genome position (GRCh38, 1-based): chr2:178,601,406, G>A on the plus strand (C>T on the coding strand, the complement: TTN is on the minus strand). VCF-style: chr2-178601406-G-A. GRCh37 (hg19) VCF-style: chr2-179466133-G-A.
Other names: c.50668C>T, p.Pro16890Ser (NM_001256850.1); c.28396C>T, p.Pro9466Ser (NM_003319.4); c.47887C>T, p.Pro15963Ser (NM_133378.4); c.28771C>T, p.Pro9591Ser (NM_133432.3); c.28972C>T, p.Pro9658Ser (NM_133437.4); short protein forms P15963S, P16890S, P18531S, P9466S, P9591S, P9658S.
Identifiers: ClinVar variation 1205290 (VCV001205290.3), dbSNP rs2154192890, ClinGen allele CA349540054.
Genomic context (GRCh38, chr2:178,601,406, plus strand): 5'-AGAAATATTGCTGTTCAGAGAGGAGATCAGGCACTACAAATGTGGTGCTTCCACAGTCTG[G>A]ATTGACTTTGGTCCAGGCTTTTCCATCAATAGTCCTCTTCTCAATAACATAGCCTTTGAT-3'
Protein context (NP_001254479.2, residues 18521-18541): IDGKAWTKVN[Pro18531Ser]DCGSTTFVVP

ClinVar aggregate classification (germline): Uncertain significance (1 of 4 stars; one submission).

Submission:

GeneDx
Classification: Uncertain significance. Last evaluated: 2020-08-26. Review status: criteria provided, single submitter. Criteria: GeneDx Variant Classification Process June 2021. Collection method: clinical testing. Allele origin: germline. Affected: yes.
Comment: Not observed in large population cohorts (Lek et al., 2016); Missense variant in a gene in which most reported pathogenic variants are truncating/loss-of-function; Has not been previously published as pathogenic or benign to our knowledge